The following is an entry in ClinVar:

NM_001039348.3(EFEMP1):c.568T>C (p.Cys190Arg)

Gene: EFEMP1 (EGF-like fibulin extracellular matrix protein 1; minus strand). Cytogenetic location: 2p16.1.
Variant type: single nucleotide variant.
Coding change: c.568T>C on transcript NM_001039348.3 (MANE Select); coding-DNA position 568, T replaced by C.
Protein change: p.Cys190Arg; replaces cysteine 190 with arginine.
Molecular consequence: missense variant.
Genome position (GRCh38, 1-based): chr2:55,881,684, A>G on the plus strand (T>C on the coding strand, the complement: EFEMP1 is on the minus strand). VCF-style: chr2-55881684-A-G. GRCh37 (hg19) VCF-style: chr2-56108819-A-G.
Other names: c.568T>C, p.Cys190Arg (NM_001039349.3); short protein forms C190R.
Identifiers: ClinVar variation 2006112 (VCV002006112.4), dbSNP rs1355066608, ClinGen allele CA347029588.
Genomic context (GRCh38, chr2:55,881,684, plus strand): 5'-CCCCTCGCTTCTGATATCCAGGAGGGCACTGACATGCAAAGGATCCCCGTAAATTGATGC[A>G]CACTTGGTCTGCTCTACAGTTGTGCGTCCCTGCAGTGCACTCGTCTATGTCTGTCAGAGA-3'
Protein context (NP_001034437.1, residues 180-200): GTHNCRADQV[Cys190Arg]INLRGSFACQ

ClinVar aggregate classification (germline): Uncertain significance (1 of 4 stars; one submission).

Allele frequency attached by ClinVar (database versions not stated): gnomAD exomes below 0.00001.
gnomAD v4.1: 6 of 1,613,950 alleles (0.00037%); highest among the groups gnomAD compares: Non-Finnish European, 0.00051%; no homozygotes.

Submission:

Labcorp Genetics (formerly Invitae), Labcorp
Classification: Uncertain significance. Last evaluated: 2022-09-19. Review status: criteria provided, single submitter. Criteria: Invitae Variant Classification Sherloc (09022015). Collection method: clinical testing. Allele origin: germline.
Comment: In summary, the available evidence is currently insufficient to determine the role of this variant in disease. Therefore, it has been classified as a Variant of Uncertain Significance. Algorithms developed to predict the effect of missense changes on protein structure and function (SIFT, PolyPhen-2, Align-GVGD) all suggest that this variant is likely to be disruptive. This variant has not been reported in the literature in individuals affected with EFEMP1-related conditions. This variant is present in population databases (no rsID available, gnomAD 0.0009%). This sequence change replaces cysteine, which is neutral and slightly polar, with arginine, which is basic and polar, at codon 190 of the EFEMP1 protein (p.Cys190Arg).